The following is an entry in ClinVar:

NM_001772.4(CD33):c.910G>A (p.Gly304Arg)

Gene: CD33 (CD33 molecule; plus strand). Cytogenetic location: 19q13.41.
Variant type: single nucleotide variant.
Coding change: c.910G>A on transcript NM_001772.4 (MANE Select); coding-DNA position 910, G replaced by A.
Protein change: p.Gly304Arg; replaces glycine 304 with arginine.
Molecular consequence: missense variant.
Genome position (GRCh38, 1-based): chr19:51,235,662, G>A. VCF-style: chr19-51235662-G-A. GRCh37 (hg19) VCF-style: chr19-51738917-G-A.
Other names: c.529G>A, p.Gly177Arg (NM_001082618.2); c.910G>A, p.Gly304Arg (NM_001177608.2); short protein forms G177R, G304R.
Identifiers: ClinVar variation 1237638 (VCV001237638.7), dbSNP rs35112940, ClinGen allele CA9609811.

ClinVar aggregate classification (germline): Benign. Review status: criteria provided, multiple submitters, no conflicts (2 of 4 stars). 3 submissions from 3 submitters: Benign (3). Last evaluated 2024-03-13.

Allele frequency attached by ClinVar (database versions not stated): 1000 Genomes Project 0.07129; 1000 Genomes Project 30x 0.07214; TOPMed 0.12763; gnomAD 0.14135 and 0.14553; gnomAD exomes 0.14693 and 0.19090; ESP Exome Variant Server 0.14939; ExAC 0.16035.
gnomAD v4.1: 298,531 of 1,612,898 alleles (19%); highest among the groups gnomAD compares: Non-Finnish European, 22%; 31,505 homozygotes.

Submissions (8):

Labcorp Genetics (formerly Invitae), Labcorp
Classification: Benign. Last evaluated: 2024-03-13. Review status: criteria provided, single submitter. Criteria: Invitae Variant Classification Sherloc (09022015). Collection method: clinical testing. Allele origin: germline.

GeneDx
Classification: Benign. Last evaluated: 2021-06-09. Review status: criteria provided, single submitter. Criteria: GeneDx Variant Classification Process June 2021. Collection method: clinical testing. Allele origin: germline. Affected: yes.
Comment: This variant is associated with the following publications: (PMID: 23444229)

Breakthrough Genomics
Classification: Benign. Review status: criteria provided, single submitter. Criteria: ACMG Guidelines, 2015. Collection method: not provided. Allele origin: germline. Inheritance: Unknown mechanism. Affected: yes.

Dr. Peter K. Rogan Lab, Western University
No classification provided (evidence only). Condition: Malignant lymphoma, large B-cell, diffuse. Review status: no classification provided. Collection method: in vitro. Allele origin: not applicable. Functional consequence: cryptic splice site, retained intron. Not counted in ClinVar's aggregate classification.

Dr. Peter K. Rogan Lab, Western University
No classification provided (evidence only). Condition: Malignant lymphoma, large B-cell, diffuse. Review status: no classification provided. Collection method: in vitro. Allele origin: not applicable. Functional consequence: cryptic splice site, retained intron. Not counted in ClinVar's aggregate classification.

Dr. Peter K. Rogan Lab, Western University
No classification provided (evidence only). Condition: Uterine carcinosarcoma. Review status: no classification provided. Collection method: in vitro. Allele origin: not applicable. Functional consequence: retained intron. Not counted in ClinVar's aggregate classification.

Dr. Peter K. Rogan Lab, Western University
No classification provided (evidence only). Condition: Uterine carcinosarcoma. Review status: no classification provided. Collection method: in vitro. Allele origin: not applicable. Functional consequence: retained intron. Not counted in ClinVar's aggregate classification.

Dr. Peter K. Rogan Lab, Western University
No classification provided (evidence only). Condition: Uterine carcinosarcoma. Review status: no classification provided. Collection method: in vitro. Allele origin: not applicable. Functional consequence: retained intron. Not counted in ClinVar's aggregate classification.